The following is an entry in ClinVar:

NM_002562.6(P2RX7):c.349C>T (p.Arg117Trp)

Gene: P2RX7 (purinergic receptor P2X 7; plus strand). Cytogenetic location: 12q24.31.
Variant type: single nucleotide variant.
Coding change: c.349C>T on transcript NM_002562.6 (MANE Select); coding-DNA position 349, C replaced by T.
Protein change: p.Arg117Trp; replaces arginine 117 with tryptophan.
Molecular consequence: missense variant. On other transcripts: non-coding transcript variant (9).
Genome position (GRCh38, 1-based): chr12:121,156,133, C>T. VCF-style: chr12-121156133-C-T. GRCh37 (hg19) VCF-style: chr12-121593936-C-T.
Other names: short protein forms R117W.
Identifiers: ClinVar variation 2643404 (VCV002643404.24), dbSNP rs28360445, ClinGen allele CA6833189.
Genomic context (GRCh38, chr12:121,156,133, plus strand): 5'-CCACAGGGGAACTCTTTCTTCGTGATGACAAACTTTCTCAAAACAGAAGGCCAAGAGCAG[C>T]GGTTGTGTCCCGAGGTAAGGAGGGGACCTGGAGTGGTGGGTCAGGTCTTAAGAGTTCCTG-3'
Protein context (NP_002553.3, residues 107-127): NFLKTEGQEQ[Arg117Trp]LCPEYPTRRT

ClinVar aggregate classification (germline): Likely benign (1 of 4 stars; one submission).

Allele frequency attached by ClinVar (database versions not stated): 1000 Genomes Project 30x 0.00094; 1000 Genomes Project 0.00100; ExAC 0.00126; gnomAD 0.00143; ESP Exome Variant Server 0.00146; TOPMed 0.00159; gnomAD exomes 0.00196.
gnomAD v4.1: 3,080 of 1,613,974 alleles (0.19%); highest among the groups gnomAD compares: Middle Eastern, 0.26%; 8 homozygotes.

Submission:

CeGaT Center for Human Genetics Tuebingen
Classification: Likely benign. Last evaluated: 2022-10-01. Review status: criteria provided, single submitter. Criteria: CeGaT Center For Human Genetics Tuebingen Variant Classification Criteria Version 2. Collection method: clinical testing. Allele origin: germline. Affected: yes. Observed: 1 variant allele.
Comment: P2RX7: BP4